The following is an entry in ClinVar:

ClinVar aggregate classification (germline): Pathogenic. Review status: reviewed by expert panel (3 of 4 stars). 3 submissions from 3 submitters: Pathogenic (1). 2 of the submissions do not count toward it. Last evaluated 2017-12-15.

Conditions:
Breast-ovarian cancer, familial, susceptibility to, 2 (BROVCA2). Also called: BRCA2 Hereditary Breast and Ovarian Cancer. Identifiers: Orphanet 145, MedGen C2675520, MONDO:0012933, OMIM 612555. Disease mechanism: loss of function.
Hereditary cancer-predisposing syndrome. Also called: Hereditary Cancer Syndrome; Hereditary neoplastic syndrome; Tumor predisposition; Neoplastic Syndromes, Hereditary. Identifiers: Orphanet 140162, MedGen C0027672, MeSH D009386, MONDO:0015356.
Hereditary breast ovarian cancer syndrome. Also called: Hereditary breast and ovarian cancer syndrome; BRCA1- and BRCA2-Associated Hereditary Breast and Ovarian Cancer; Hereditary breast and ovarian cancer syndrome (HBOC); Hereditary breast and/or ovarian cancer syndrome; Hereditary breast and ovarian cancer; Breast and ovarian cancer. Identifiers: Orphanet 145, MedGen C0677776, MeSH D061325, MONDO:0003582. Disease mechanism: loss of function.

Submissions (3):

Evidence-based Network for the Interpretation of Germline Mutant Alleles (ENIGMA)
Classification: Pathogenic for Breast-ovarian cancer, familial, susceptibility to, 2. Last evaluated: 2017-12-15. Review status: reviewed by expert panel. Criteria: ENIGMA BRCA1/2 Classification Criteria (2017-06-29). Collection method: curation. Allele origin: germline. Study: ENIGMA.
Comment: Variant allele predicted to encode a truncated non-functional protein.

Labcorp Genetics (formerly Invitae), Labcorp
Classification: Pathogenic for Hereditary breast ovarian cancer syndrome. Last evaluated: 2022-01-27. Review status: criteria provided, single submitter. Criteria: Invitae Variant Classification Sherloc (09022015). Collection method: clinical testing. Allele origin: germline. Not counted in ClinVar's aggregate classification.
Comment: This sequence change creates a premature translational stop signal (p.Ala1237Valfs*2) in the BRCA2 gene. It is expected to result in an absent or disrupted protein product. Loss-of-function variants in BRCA2 are known to be pathogenic (PMID: 20104584). For these reasons, this variant has been classified as Pathogenic. ClinVar contains an entry for this variant (Variation ID: 441458). This premature translational stop signal has been observed in individual(s) with clinical features of hereditary breast and ovarian cancer (HBOC) syndrome (PMID: 29446198). This variant is not present in population databases (gnomAD no frequency).

Ambry Genetics
Classification: Pathogenic for Hereditary cancer-predisposing syndrome. Last evaluated: 2017-08-14. Review status: criteria provided, single submitter. Criteria: Ambry Variant Classification Scheme 2023. Collection method: clinical testing. Allele origin: germline. Not counted in ClinVar's aggregate classification.
Comment: The c.3710delC pathogenic mutation, located in coding exon 10 of the BRCA2 gene, results from a deletion of one nucleotide at nucleotide position 3710, causing a translational frameshift with a predicted alternate stop codon (p.A1237Vfs*2). This alteration is expected to result in loss of function by premature protein truncation or nonsense-mediated mRNA decay. As such, this alteration is interpreted as a disease-causing mutation.

Literature cited by the submitters: PubMed 20104584 (cited by Labcorp Genetics (formerly Invitae), Labcorp); PubMed 29446198 (cited by Labcorp Genetics (formerly Invitae), Labcorp).

NM_000059.4(BRCA2):c.3710del (p.Ala1237fs)

Gene: BRCA2 (BRCA2 DNA repair associated; plus strand). Cytogenetic location: 13q13.1.
Variant type: Deletion.
Coding change: c.3710del on transcript NM_000059.4 (MANE Select); coding-DNA position 3710, one base deleted (C; older notation c.3710delC).
Protein change: p.Ala1237fs; shifts the reading frame from alanine 1237.
Molecular consequence: frameshift variant.
Genome position (GRCh38, 1-based): chr13:32,338,065, C deleted. VCF-style (leftmost placement, unchanged base first): chr13-32338064-GC-G. GRCh37 (hg19) VCF-style: chr13-32912201-GC-G.
Other names: c.3710delC (NM_000059.3); short protein forms A1237fs.
Identifiers: ClinVar variation 441458 (VCV000441458.11), dbSNP rs1555283371, ClinGen allele CA658653655.